The following is an entry in ClinVar:

NM_001252024.2(TRPM1):c.1879G>A (p.Val627Met)

Gene: TRPM1 (transient receptor potential cation channel subfamily M member 1; minus strand). Cytogenetic location: 15q13.3.
Variant type: single nucleotide variant.
Coding change: c.1879G>A on transcript NM_001252024.2 (MANE Select); coding-DNA position 1879, G replaced by A.
Protein change: p.Val627Met; replaces valine 627 with methionine.
Molecular consequence: missense variant.
Genome position (GRCh38, 1-based): chr15:31,042,159, C>T on the plus strand (G>A on the coding strand, the complement: TRPM1 is on the minus strand). VCF-style: chr15-31042159-C-T. GRCh37 (hg19) VCF-style: chr15-31334362-C-T.
Other names: c.1930G>A, p.Val644Met (NM_001252020.2); c.1813G>A, p.Val605Met (NM_002420.6); short protein forms V605M, V627M, V644M.
Identifiers: ClinVar variation 315519 (VCV000315519.16), dbSNP rs17815774, ClinGen allele CA7452374.

ClinVar aggregate classification (germline): Benign. Review status: criteria provided, multiple submitters, no conflicts (2 of 4 stars). 4 submissions from 4 submitters: Benign (4). Last evaluated 2026-02-02.

Conditions:
Congenital stationary night blindness 1C. Also called: Night blindness, congenital stationary (complete), 1C, autosomal recessive. Identifiers: Orphanet 215, MedGen C2750747, MONDO:0013183, OMIM 613216.

Allele frequency attached by ClinVar (database versions not stated): 1000 Genomes Project 30x 0.00999; 1000 Genomes Project 0.01018; TOPMed 0.02313; gnomAD 0.02314 and 0.02393; ExAC 0.02539; ESP Exome Variant Server 0.02719.
gnomAD v4.1: 49,071 of 1,614,128 alleles (3%); highest among the groups gnomAD compares: Non-Finnish European, 3.6%; 860 homozygotes.

Submissions (4):

Labcorp Genetics (formerly Invitae), Labcorp
Classification: Benign. Last evaluated: 2026-02-02. Review status: criteria provided, single submitter. Criteria: Invitae Variant Classification Sherloc (09022015). Collection method: clinical testing. Allele origin: germline.

GeneDx
Classification: Benign. Last evaluated: 2020-08-31. Review status: criteria provided, single submitter. Criteria: GeneDx Variant Classification Process June 2021. Collection method: clinical testing. Allele origin: germline. Affected: yes.

Illumina Laboratory Services, Illumina
Classification: Benign for Congenital stationary night blindness 1C. Last evaluated: 2018-01-13. Review status: criteria provided, single submitter. Criteria: ICSL Variant Classification Criteria 13 December 2019. Collection method: clinical testing. Allele origin: germline.
Comment: This variant was observed in the ICSL laboratory as part of a predisposition screen in an ostensibly healthy population. It had not been previously curated by ICSL or reported in the Human Gene Mutation Database (HGMD: prior to June 1st, 2018), and was therefore a candidate for classification through an automated scoring system. Utilizing variant allele frequency, disease prevalence and penetrance estimates, and inheritance mode, an automated score was calculated to assess if this variant is too frequent to cause the disease. Based on the score and internal cut-off values, a variant classified as benign is not then subjected to further curation. The score for this variant resulted in a classification of benign for this disease.

Breakthrough Genomics
Classification: Benign. Review status: criteria provided, single submitter. Criteria: ACMG Guidelines, 2015. Collection method: not provided. Allele origin: germline. Inheritance: Unknown mechanism. Affected: yes.